The following is an entry in ClinVar:

ClinVar aggregate classification (germline): Likely benign. Review status: criteria provided, multiple submitters, no conflicts (2 of 4 stars). 4 submissions from 4 submitters: Likely benign (4). Last evaluated 2026-06-02.

Conditions:
Inborn genetic diseases. Identifiers: MedGen C0950123, MeSH D030342.

Allele frequency attached by ClinVar (database versions not stated): gnomAD exomes 0.00002 and 0.00007; gnomAD 0.00004 and 0.00006; ExAC 0.00007; TOPMed 0.00007; 1000 Genomes Project 0.00060; 1000 Genomes Project 30x 0.00078.

Submissions (4):

Women's Health and Genetics/Laboratory Corporation of America, LabCorp
Classification: Likely benign. Last evaluated: 2026-06-02. Review status: criteria provided, single submitter. Criteria: LabCorp Variant Classification Summary - May 2015. Collection method: clinical testing. Allele origin: germline.
Comment: Variant summary: KAT6A c.2986A>G (p.Ser996Gly) results in a non-conservative amino acid change in the encoded protein sequence. Algorithms developed to predict the effect of missense changes on protein structure and function are either unavailable or do not agree on the potential impact of this missense change. The variant allele was found at a frequency of 7.2e-05 in 251022 control chromosomes, predominantly at a frequency of 0.00092 within the East Asian subpopulation in the gnomAD database v2. A total of 41 heterozygotes of this variant was observed in the gnomAD v4 database. To our knowledge, no occurrence of c.2986A>G in individuals affected with KAT6A-related conditions and no experimental evidence demonstrating its impact on protein function have been reported. ClinVar contains an entry for this variant (Variation ID: 1189464). Based on the evidence outlined above, the variant was classified as likely benign.

Labcorp Genetics (formerly Invitae), Labcorp
Classification: Likely benign. Last evaluated: 2025-10-11. Review status: criteria provided, single submitter. Criteria: Invitae Variant Classification Sherloc (09022015). Collection method: clinical testing. Allele origin: germline.

Ambry Genetics
Classification: Likely benign for Inborn genetic diseases. Last evaluated: 2023-06-01. Review status: criteria provided, single submitter. Criteria: Ambry Variant Classification Scheme 2023. Collection method: clinical testing. Allele origin: germline.

GeneDx
Classification: Likely benign. Last evaluated: 2019-09-17. Review status: criteria provided, single submitter. Criteria: GeneDx Variant Classification Process June 2021. Collection method: clinical testing. Allele origin: germline. Affected: yes.

NM_006766.5(KAT6A):c.2986A>G (p.Ser996Gly)

Gene: KAT6A (lysine acetyltransferase 6A; minus strand). Cytogenetic location: 8p11.21.
Variant type: single nucleotide variant.
Coding change: c.2986A>G on transcript NM_006766.5 (MANE Select); coding-DNA position 2986, A replaced by G.
Protein change: p.Ser996Gly; replaces serine 996 with glycine.
Molecular consequence: missense variant.
Genome position (GRCh38, 1-based): chr8:41,940,895, T>C on the plus strand (A>G on the coding strand, the complement: KAT6A is on the minus strand). VCF-style: chr8-41940895-T-C. GRCh37 (hg19) VCF-style: chr8-41798413-T-C.
Other names: short protein forms S996G.
Identifiers: ClinVar variation 1189464 (VCV001189464.13), dbSNP rs183255462, ClinGen allele CA4729787.